The following is an entry in ClinVar:

ClinVar aggregate classification (germline): Uncertain significance (1 of 4 stars; one submission).

Conditions:
Familial adenomatous polyposis 1 (FAP1). Also called: FAMILIAL ADENOMATOUS POLYPOSIS 1, ATTENUATED; POLYPOSIS, ADENOMATOUS INTESTINAL. Identifiers: MedGen C2713442, MONDO:0021056, OMIM 175100. Disease mechanism: loss of function.

Submission:

Labcorp Genetics (formerly Invitae), Labcorp
Classification: Uncertain significance for Familial adenomatous polyposis 1. Last evaluated: 2025-06-01. Review status: criteria provided, single submitter. Criteria: Invitae Variant Classification Sherloc (09022015). Collection method: clinical testing. Allele origin: germline.
Comment: This sequence change replaces glutamic acid, which is acidic and polar, with lysine, which is basic and polar, at codon 1145 of the APC protein (p.Glu1145Lys). This variant is not present in population databases (gnomAD no frequency). This variant has not been reported in the literature in individuals affected with APC-related conditions. ClinVar contains an entry for this variant (Variation ID: 1057948). Invitae Evidence Modeling of protein sequence and biophysical properties (such as structural, functional, and spatial information, amino acid conservation, physicochemical variation, residue mobility, and thermodynamic stability) indicates that this missense variant is not expected to disrupt APC protein function with a negative predictive value of 95%. In summary, the available evidence is currently insufficient to determine the role of this variant in disease. Therefore, it has been classified as a Variant of Uncertain Significance.

NM_000038.6(APC):c.3433G>A (p.Glu1145Lys)

Gene: APC (APC regulator of Wnt signaling pathway; plus strand). Cytogenetic location: 5q22.2.
Variant type: single nucleotide variant.
Coding change: c.3433G>A on transcript NM_000038.6 (MANE Select); coding-DNA position 3433, G replaced by A.
Protein change: p.Glu1145Lys; replaces glutamic acid 1145 with lysine.
Molecular consequence: missense variant.
Genome position (GRCh38, 1-based): chr5:112,839,027, G>A. VCF-style: chr5-112839027-G-A. GRCh37 (hg19) VCF-style: chr5-112174724-G-A.
Other names: c.3433G>A, p.Glu1145Lys (NM_001127510.3, NM_001354895.2); c.3379G>A, p.Glu1127Lys (NM_001127511.3); c.3487G>A, p.Glu1163Lys (NM_001354896.2); c.3463G>A, p.Glu1155Lys (NM_001354897.2); c.3358G>A, p.Glu1120Lys (NM_001354898.2); c.3349G>A, p.Glu1117Lys (NM_001354899.2); c.3310G>A, p.Glu1104Lys (NM_001354900.2); c.3256G>A, p.Glu1086Lys (NM_001354901.2); and 5 more; short protein forms E1019K, E1044K, E1054K, E1086K, E1104K, E1117K, E1120K, E1127K.
Identifiers: ClinVar variation 1057948 (VCV001057948.10), dbSNP rs1060503375, ClinGen allele CA16028858.